The following is an entry in ClinVar:

NM_052845.4(MMAB):c.644+7G>A

Gene: MMAB (metabolism of cobalamin associated B; minus strand). Cytogenetic location: 12q24.11.
Variant type: single nucleotide variant.
Coding change: c.644+7G>A on transcript NM_052845.4 (MANE Select); 7 bases into the intron after coding-DNA position 644, G replaced by A.
Molecular consequence: intron variant.
Genome position (GRCh38, 1-based): chr12:109,559,089, C>T on the plus strand (G>A on the coding strand, the complement: MMAB is on the minus strand). VCF-style: chr12-109559089-C-T. GRCh37 (hg19) VCF-style: chr12-109996894-C-T.
Identifiers: ClinVar variation 307077 (VCV000307077.18), dbSNP rs147637814, ClinGen allele CA6778786.

ClinVar aggregate classification (germline): Conflicting classifications of pathogenicity. Review status: criteria provided, conflicting classifications (1 of 4 stars). 3 submissions from 3 submitters: Uncertain significance (1); Likely benign (1). 1 of the submissions does not count toward it. Last evaluated 2025-12-30.

Conditions:
Methylmalonic aciduria, cblB type (MACB). Also called: METHYLMALONIC ACIDURIA, VITAMIN B12-RESPONSIVE, DUE TO DEFECT IN SYNTHESIS OF ADENOSYLCOBALAMIN, cblB TYPE; Methylmalonic acidemia cblB type; Vitamin B12-responsive methylmalonic acidemia type cblB. Identifiers: Orphanet 28, Orphanet 79311, MedGen C1855102, MONDO:0009614, OMIM 251110.
MMAB-related disorder. Also called: MMAB-related condition.

Allele frequency attached by ClinVar (database versions not stated): ExAC 0.00002; gnomAD exomes 0.00003 and 0.00004; TOPMed 0.00004; gnomAD 0.00007 and 0.00008; ESP Exome Variant Server 0.00008; 1000 Genomes Project 30x 0.00016; 1000 Genomes Project 0.00020.
gnomAD v4.1: 61 of 1,611,326 alleles (0.0038%); highest among the groups gnomAD compares: African/African-American, 0.0053%; no homozygotes.

Submissions (3):

Labcorp Genetics (formerly Invitae), Labcorp
Classification: Likely benign for Methylmalonic aciduria, cblB type. Last evaluated: 2025-12-30. Review status: criteria provided, single submitter. Criteria: Invitae Variant Classification Sherloc (09022015). Collection method: clinical testing. Allele origin: germline.

Illumina Laboratory Services, Illumina
Classification: Uncertain significance for Methylmalonic aciduria, cblB type. Last evaluated: 2018-01-13. Review status: criteria provided, single submitter. Criteria: ICSL Variant Classification Criteria 13 December 2019. Collection method: clinical testing. Allele origin: germline.

PreventionGenetics, part of Exact Sciences
Classification: Likely benign for MMAB-related condition. Last evaluated: 2024-02-19. Review status: no assertion criteria provided. Collection method: clinical testing. Allele origin: germline. Not counted in ClinVar's aggregate classification.
Comment: This variant is classified as likely benign based on ACMG/AMP sequence variant interpretation guidelines (Richards et al. 2015 PMID: 25741868, with internal and published modifications).